The following is an entry in ClinVar:

ClinVar aggregate classification (germline): Benign/Likely benign. Review status: criteria provided, multiple submitters, no conflicts (2 of 4 stars). 5 submissions from 5 submitters: Benign (1); Likely benign (3). 1 of the submissions does not count toward it. Last evaluated 2025-07-07.

Conditions:
AXIN2-related disorder.
Hereditary cancer-predisposing syndrome. Also called: Neoplastic Syndromes, Hereditary; Hereditary Cancer Syndrome; Tumor predisposition; Hereditary neoplastic syndrome. Identifiers: Orphanet 140162, MedGen C0027672, MeSH D009386, MONDO:0015356.
Oligodontia-cancer predisposition syndrome. Also called: TOOTH AGENESIS-COLORECTAL CANCER SYNDROME. Identifiers: Orphanet 300576, MedGen C1837750, MONDO:0012075, OMIM 608615. Disease mechanism: loss of function.

Allele frequency attached by ClinVar (database versions not stated): ExAC below 0.00001; TOPMed 0.00001; gnomAD 0.00003.
gnomAD v4.1: 6 of 1,577,746 alleles (0.00038%); highest among the groups gnomAD compares: East Asian, 0.0023%; no homozygotes.

Submissions (5):

Labcorp Genetics (formerly Invitae), Labcorp
Classification: Likely benign for Oligodontia-cancer predisposition syndrome. Last evaluated: 2025-07-07. Review status: criteria provided, single submitter. Criteria: Invitae Variant Classification Sherloc (09022015). Collection method: clinical testing. Allele origin: germline.

Center for Genomic Medicine, Rigshospitalet, Copenhagen University Hospital
Classification: Likely benign. Last evaluated: 2025-03-04. Review status: criteria provided, single submitter. Criteria: ACMG Guidelines, 2015. Collection method: clinical testing. Allele origin: germline.

Myriad Genetics, Inc.
Classification: Benign for Oligodontia-cancer predisposition syndrome. Last evaluated: 2024-07-02. Review status: criteria provided, single submitter. Criteria: Myriad Autosomal Dominant, Autosomal Recessive and X-Linked Classification Criteria (2023). Collection method: clinical testing. Allele origin: unknown.
Comment: This variant is considered benign. This variant is a silent/synonymous amino acid change and it is not expected to impact splicing.

Ambry Genetics
Classification: Likely benign for Hereditary cancer-predisposing syndrome. Last evaluated: 2020-12-22. Review status: criteria provided, single submitter. Criteria: Ambry Variant Classification Scheme 2023. Collection method: clinical testing. Allele origin: germline.

PreventionGenetics, part of Exact Sciences
Classification: Likely benign for AXIN2-related condition. Last evaluated: 2021-12-17. Review status: no assertion criteria provided. Collection method: clinical testing. Allele origin: germline. Not counted in ClinVar's aggregate classification.
Comment: This variant is classified as likely benign based on ACMG/AMP sequence variant interpretation guidelines (Richards et al. 2015 PMID: 25741868, with internal and published modifications).

NM_004655.4(AXIN2):c.1284C>T (p.Ser428=)

Gene: AXIN2 (axin 2; minus strand). Cytogenetic location: 17q24.1.
Variant type: single nucleotide variant.
Coding change: c.1284C>T on transcript NM_004655.4 (MANE Select); coding-DNA position 1284, C replaced by T.
Protein change: p.Ser428=; no amino-acid change (serine 428 retained).
Molecular consequence: synonymous variant.
Genome position (GRCh38, 1-based): chr17:65,537,752, G>A on the plus strand (C>T on the coding strand, the complement: AXIN2 is on the minus strand). VCF-style: chr17-65537752-G-A. GRCh37 (hg19) VCF-style: chr17-63533870-G-A.
Other names: c.1284C>T, p.Ser428= (NM_001363813.1).
Identifiers: ClinVar variation 745443 (VCV000745443.21), dbSNP rs750126379, ClinGen allele CA8718687.
Genomic context (GRCh38, chr17:65,537,752, plus strand): 5'-CTTGAGGACCCTGGACAGGTGATCGTCCAGTATCGTCTGCGGGTCTTCCTCGTAGCTGCC[G>A]GAGGGCAGTAGGGAGAGGGGGTGCTGCGTGGGCGCCCCCTCCCGCGAATTGAGTGTGAGC-3'
Protein context (NP_004646.3, residues 418-438): PTQHPLSLLP[Ser428=]GSYEEDPQTI